The following is an entry in ClinVar:

NM_003611.3(OFD1):c.2567C>T (p.Ala856Val)

Gene: OFD1 (OFD1 centriole and centriolar satellite protein; plus strand). Cytogenetic location: Xp22.2.
Variant type: single nucleotide variant.
Coding change: c.2567C>T on transcript NM_003611.3 (MANE Select); coding-DNA position 2567, C replaced by T.
Protein change: p.Ala856Val; replaces alanine 856 with valine.
Molecular consequence: missense variant.
Genome position (GRCh38, 1-based): chrX:13,763,823, C>T. VCF-style: chrX-13763823-C-T. GRCh37 (hg19) VCF-style: chrX-13781942-C-T.
Other names: c.2447C>T, p.Ala816Val (NM_001330209.2); c.2147C>T, p.Ala716Val (NM_001330210.2); c.2567C>T (NM_003611.2); short protein forms A716V, A816V, A856V.
Identifiers: ClinVar variation 1983502 (VCV001983502.5), dbSNP rs769381589, ClinGen allele CA10352040.
Genomic context (GRCh38, chrX:13,763,823, plus strand): 5'-GGCAGTTGGAAATGGGCGGGCTTTCTCCTGCCGGGGATATGTCTCATGTGGACGCTGCTG[C>T]AGCTGCTGTGCCCCTCTCATATCAGCACCCAAGTAAGTTCTTTTTTTGAACTAACAGTCA-3'
Protein context (NP_003602.1, residues 846-866): AGDMSHVDAA[Ala856Val]AAVPLSYQHP

ClinVar aggregate classification (germline): Uncertain significance. Review status: criteria provided, multiple submitters, no conflicts (2 of 4 stars). 2 submissions from 2 submitters: Uncertain significance (2). Last evaluated 2025-04-05.

Conditions:
Joubert syndrome. Also called: JOUBERT-BOLTSHAUSER SYNDROME; Familial aplasia of the vermis. Identifiers: Orphanet 475, MedGen C5979921, MONDO:0018772.
Orofaciodigital syndrome I (OFD1). Also called: OFDS I; Papillon-Leage and Psaume Syndrome; Oral-Facial-Digital Syndrome Type I. Identifiers: Orphanet 2750, MedGen C1510460, MONDO:0010702, OMIM 311200.
Primary ciliary dyskinesia. Also called: Ciliary dyskinesia. Identifiers: Orphanet 244, MedGen C0008780, MONDO:0016575, HP:0012265.

Allele frequency attached by ClinVar (database versions not stated): gnomAD exomes below 0.00001; ExAC 0.00001.
gnomAD v4.1: 1 of 1,210,602 alleles (0.000083%); highest among the groups gnomAD compares: Non-Finnish European, 0.00011%; no homozygotes.

Submissions (2):

Ambry Genetics
Classification: Uncertain significance for Primary ciliary dyskinesia. Last evaluated: 2025-04-05. Review status: criteria provided, single submitter. Criteria: Ambry Variant Classification Scheme 2023. Collection method: clinical testing. Allele origin: germline.

Labcorp Genetics (formerly Invitae), Labcorp
Classification: Uncertain significance for Orofaciodigital syndrome I; Joubert syndrome. Last evaluated: 2025-03-19. Review status: criteria provided, single submitter. Criteria: Invitae Variant Classification Sherloc (09022015). Collection method: clinical testing. Allele origin: germline.
Comment: This sequence change replaces alanine, which is neutral and non-polar, with valine, which is neutral and non-polar, at codon 856 of the OFD1 protein (p.Ala856Val). This variant is present in population databases (rs769381589, gnomAD 0.004%). This variant has not been reported in the literature in individuals affected with OFD1-related conditions. ClinVar contains an entry for this variant (Variation ID: 1983502). Invitae Evidence Modeling of protein sequence and biophysical properties (such as structural, functional, and spatial information, amino acid conservation, physicochemical variation, residue mobility, and thermodynamic stability) indicates that this missense variant is not expected to disrupt OFD1 protein function with a negative predictive value of 80%. In summary, the available evidence is currently insufficient to determine the role of this variant in disease. Therefore, it has been classified as a Variant of Uncertain Significance.